The following is an entry in ClinVar:

ClinVar aggregate classification (germline): Uncertain significance (1 of 4 stars; one submission).

Conditions:
DYRK1A-related intellectual disability syndrome (MRD7). Also called: Intellectual developmental disorder, autosomal dominant 7; DYRK1A Syndrome. Identifiers: Orphanet 464306, MedGen C5568143, MONDO:0013578, OMIM 614104.

Submission:

Labcorp Genetics (formerly Invitae), Labcorp
Classification: Uncertain significance for DYRK1A-related intellectual disability syndrome. Last evaluated: 2024-03-04. Review status: criteria provided, single submitter. Criteria: Invitae Variant Classification Sherloc (09022015). Collection method: clinical testing. Allele origin: germline.
Comment: This sequence change replaces arginine, which is basic and polar, with serine, which is neutral and polar, at codon 43 of the DYRK1A protein (p.Arg43Ser). This variant is not present in population databases (gnomAD no frequency). This missense change has been observed in individual(s) with clinical features of DYRK1A-related conditions (Invitae). ClinVar contains an entry for this variant (Variation ID: 1371004). Advanced modeling of protein sequence and biophysical properties (such as structural, functional, and spatial information, amino acid conservation, physicochemical variation, residue mobility, and thermodynamic stability) performed at Invitae indicates that this missense variant is not expected to disrupt DYRK1A protein function with a negative predictive value of 95%. In summary, the available evidence is currently insufficient to determine the role of this variant in disease. Therefore, it has been classified as a Variant of Uncertain Significance.

NM_001347721.2(DYRK1A):c.127C>A (p.Arg43Ser)

Gene: DYRK1A (dual specificity tyrosine phosphorylation regulated kinase 1A; plus strand). Cytogenetic location: 21q22.13.
Variant type: single nucleotide variant.
Coding change: c.127C>A on transcript NM_001347721.2 (MANE Select); coding-DNA position 127, C replaced by A.
Protein change: p.Arg43Ser; replaces arginine 43 with serine.
Molecular consequence: missense variant.
Genome position (GRCh38, 1-based): chr21:37,472,800, C>A. VCF-style: chr21-37472800-C-A. GRCh37 (hg19) VCF-style: chr21-38845102-C-A.
Other names: c.127C>A, p.Arg43Ser (NM_001347722.2, NM_001396.5, NM_101395.2 and 2 more transcripts); c.40C>A, p.Arg14Ser (NM_001347723.2); short protein forms R43S, R14S.
Identifiers: ClinVar variation 1371004 (VCV001371004.8), dbSNP rs367984873, ClinGen allele CA409942554.